The following is an entry in ClinVar:

ClinVar aggregate classification (germline): Likely benign. Review status: criteria provided, multiple submitters, no conflicts (2 of 4 stars). 5 submissions from 5 submitters: Likely benign (4). 1 of the submissions does not count toward it. Last evaluated 2025-12-11.

Conditions:
GATA4-related disorder. Also called: GATA4-related condition. Identifiers: MedGen CN860321.
Cardiovascular phenotype. Identifiers: MedGen CN230736.
Atrioventricular septal defect 4 (AVSD4). Identifiers: MedGen C3280781, MONDO:0013747, OMIM 614430.

Allele frequency attached by ClinVar (database versions not stated): TOPMed 0.00003; gnomAD 0.00004 and 0.00005; gnomAD exomes 0.00006 and 0.00010; ExAC 0.00007.
gnomAD v4.1: 108 of 1,613,972 alleles (0.0067%); highest among the groups gnomAD compares: East Asian, 0.04%; no homozygotes.

Submissions (5):

Labcorp Genetics (formerly Invitae), Labcorp
Classification: Likely benign for Atrioventricular septal defect 4. Last evaluated: 2025-12-11. Review status: criteria provided, single submitter. Criteria: Invitae Variant Classification Sherloc (09022015). Collection method: clinical testing. Allele origin: germline.

Blueprint Genetics
Classification: Likely benign. Last evaluated: 2024-06-14. Review status: criteria provided, single submitter. Criteria: ACMG Guidelines, 2015. Collection method: clinical testing. Allele origin: germline.

GeneDx
Classification: Likely benign. Last evaluated: 2021-04-13. Review status: criteria provided, single submitter. Criteria: GeneDx Variant Classification Process June 2021. Collection method: clinical testing. Allele origin: germline. Affected: yes.

Ambry Genetics
Classification: Likely benign for Cardiovascular phenotype. Last evaluated: 2020-09-10. Review status: criteria provided, single submitter. Criteria: Ambry Variant Classification Scheme 2023. Collection method: clinical testing. Allele origin: germline.

PreventionGenetics, part of Exact Sciences
Classification: Likely benign for GATA4-related condition. Last evaluated: 2019-03-20. Review status: no assertion criteria provided. Collection method: clinical testing. Allele origin: germline. Not counted in ClinVar's aggregate classification.
Comment: This variant is classified as likely benign based on ACMG/AMP sequence variant interpretation guidelines (Richards et al. 2015 PMID: 25741868, with internal and published modifications).

NM_001308093.3(GATA4):c.789C>T (p.Ser263=)

Gene: GATA4 (GATA binding protein 4). Cytogenetic location: 8p23.1.
Variant type: single nucleotide variant.
Coding change: c.789C>T on transcript NM_001308093.3 (MANE Select); coding-DNA position 789, C replaced by T.
Protein change: p.Ser263=; no amino-acid change (serine 263 retained).
Molecular consequence: synonymous variant. On other transcripts: intron variant (1).
Genome position (GRCh38, 1-based): chr8:11,750,113, C>T. VCF-style: chr8-11750113-C-T. GRCh37 (hg19) VCF-style: chr8-11607622-C-T.
Other names: c.168C>T, p.Ser56= (NM_001308094.2, NM_001374273.1); c.786C>T, p.Ser262= (NM_002052.5); c.165+1028C>T (NM_001374274.1); c.786C>T (NM_002052.4).
Identifiers: ClinVar variation 1138267 (VCV001138267.17), dbSNP rs777744927, ClinGen allele CA4630705.